The following is an entry in ClinVar:

ClinVar aggregate classification (germline): Likely benign. Review status: criteria provided, multiple submitters, no conflicts (2 of 4 stars). 2 submissions from 2 submitters: Likely benign (2). Last evaluated 2025-10-11.

Conditions:
IFT140-related disorder. Also called: IFT140-related condition.
Saldino-Mainzer syndrome (SRTD9). Also called: short-rib thoracic dysplasia 9 with or without polydactyly; CONORENAL SYNDROME; Renal dysplasia, retinal pigmentary dystrophy, cerebellar ataxia and skeletal dysplasia; SHORT-RIB THORACIC DYSPLASIA 9 WITHOUT POLYDACTYLY. Identifiers: Orphanet 140969, MedGen C1849437, MONDO:0009964, OMIM 266920.

Allele frequency attached by ClinVar (database versions not stated): gnomAD 0.00001; gnomAD exomes 0.00002; TOPMed 0.00002; ExAC 0.00003.
gnomAD v4.1: 12 of 1,613,858 alleles (0.00074%); highest among the groups gnomAD compares: Admixed American, 0.012%; no homozygotes.

Submissions (2):

Labcorp Genetics (formerly Invitae), Labcorp
Classification: Likely benign for Saldino-Mainzer syndrome. Last evaluated: 2025-10-11. Review status: criteria provided, single submitter. Criteria: Invitae Variant Classification Sherloc (09022015). Collection method: clinical testing. Allele origin: germline.

PreventionGenetics, part of Exact Sciences
Classification: Likely benign for IFT140-related condition. Last evaluated: 2024-11-14. Review status: criteria provided, single submitter. Criteria: ACMG Guidelines, 2015. Collection method: clinical testing. Allele origin: germline.
Comment: This variant is classified as likely benign based on ACMG/AMP sequence variant interpretation guidelines (Richards et al. 2015 PMID: 25741868, with internal and published modifications).

NM_014714.4(IFT140):c.2334C>T (p.His778=)

Gene: IFT140 (intraflagellar transport 140; minus strand). Cytogenetic location: 16p13.3.
Variant type: single nucleotide variant.
Coding change: c.2334C>T on transcript NM_014714.4 (MANE Select); coding-DNA position 2334, C replaced by T.
Protein change: p.His778=; no amino-acid change (histidine 778 retained).
Molecular consequence: synonymous variant.
Genome position (GRCh38, 1-based): chr16:1,558,000, G>A on the plus strand (C>T on the coding strand, the complement: IFT140 is on the minus strand). VCF-style: chr16-1558000-G-A. GRCh37 (hg19) VCF-style: chr16-1608001-G-A.
Other names: c.2334C>T (NM_014714.3).
Identifiers: ClinVar variation 1087742 (VCV001087742.10), dbSNP rs774009074, ClinGen allele CA7813935.
Genomic context (GRCh38, chr16:1,558,000, plus strand): 5'-GATGAGCTTGATGGATTTGAAGGCTTCGTCCATGTCTCCTATGGTGACAAAGAAGCTGAA[G>A]TGGAGCATGGCGTCCCGGGTGGCCTTGTCGCAGTCCTCCAGCCCCACAAAGTCTCGCAGG-3'
Protein context (NP_055529.2, residues 768-788): CDKATRDAML[His778=]FSFFVTIGDM